The following is an entry in ClinVar:

NM_005359.6(SMAD4):c.*1820T>G

Gene: SMAD4 (SMAD family member 4; plus strand). Cytogenetic location: 18q21.2.
Variant type: single nucleotide variant.
Coding change: c.*1820T>G on transcript NM_005359.6 (MANE Select); 1820 bases downstream of the stop codon, T replaced by G.
Molecular consequence: 3 prime UTR variant.
Genome position (GRCh38, 1-based): chr18:51,080,287, T>G. VCF-style: chr18-51080287-T-G. GRCh37 (hg19) VCF-style: chr18-48606657-T-G.
Identifiers: ClinVar variation 327133 (VCV000327133.34), dbSNP rs141309481, ClinGen allele CA10651767.
Genomic context (GRCh38, chr18:51,080,287, plus strand): 5'-AGTTTGCTTATTTCTGTGATTTAAACATAGATCTTGATCCAAGCTACATGACTTTTGTCT[T>G]TAAATAACTTATCTACCACCTCATTTGTACTCTTGATTACTTACAAATTCTTTCAGTAAA-3'

ClinVar aggregate classification (germline): Benign/Likely benign. Review status: criteria provided, multiple submitters, no conflicts (2 of 4 stars). 4 submissions from 2 submitters: Benign (3); Likely benign (1). Last evaluated 2022-12-01.

Conditions:
Myhre syndrome (MYHRS). Also called: LARYNGOTRACHEAL STENOSIS, ARTHROPATHY, PROGNATHISM, AND SHORT STATURE; LAPS SYNDROME. Identifiers: Orphanet 2588, MedGen C0796081, MONDO:0007688, OMIM 139210.
Generalized juvenile polyposis/juvenile polyposis coli. Also called: Juvenile polyposis coli. Identifiers: Orphanet 329971, MedGen C1868081, MONDO:0008276.
Juvenile polyposis/hereditary hemorrhagic telangiectasia syndrome (JPHT). Also called: Juvenile Polyposis Syndrome / Hereditary Hemorrhagic Telangiectasia (JPS/HHT); POLYPOSIS, GENERALIZED JUVENILE, WITH PULMONARY ARTERIOVENOUS MALFORMATION; TELANGIECTASIA, HEREDITARY HEMORRHAGIC, WITH JUVENILE POLYPOSIS COLI; JP/HHT SYNDROME; JUVENILE POLYPOSIS WITH HEREDITARY HEMORRHAGIC TELANGIECTASIA. Identifiers: Orphanet 2929, MedGen C1832942, MONDO:0008278, OMIM 175050.

Allele frequency attached by ClinVar (database versions not stated): gnomAD exomes 0.00111; gnomAD 0.00400 and 0.00426; 1000 Genomes Project 0.00439; 1000 Genomes Project 30x 0.00453; TOPMed 0.00471.
gnomAD v4.1: 691 of 232,224 alleles (0.3%); highest among the groups gnomAD compares: African/African-American, 1.4%; 3 homozygotes.

Submissions (4):

CeGaT Center for Human Genetics Tuebingen
Classification: Likely benign. Last evaluated: 2022-12-01. Review status: criteria provided, single submitter. Criteria: CeGaT Center For Human Genetics Tuebingen Variant Classification Criteria Version 2. Collection method: clinical testing. Allele origin: germline. Affected: yes. Observed: 2 variant alleles.
Comment: SMAD4: BS1

Illumina Laboratory Services, Illumina
Classification: Benign for Juvenile polyposis syndrome. Last evaluated: 2018-01-12. Review status: criteria provided, single submitter. Criteria: ICSL Variant Classification Criteria 13 December 2019. Collection method: clinical testing. Allele origin: germline.
Comment: This variant was observed in the ICSL laboratory as part of a predisposition screen in an ostensibly healthy population. It had not been previously curated by ICSL or reported in the Human Gene Mutation Database (HGMD: prior to June 1st, 2018), and was therefore a candidate for classification through an automated scoring system. Utilizing variant allele frequency, disease prevalence and penetrance estimates, and inheritance mode, an automated score was calculated to assess if this variant is too frequent to cause the disease. Based on the score and internal cut-off values, a variant classified as benign is not then subjected to further curation. The score for this variant resulted in a classification of benign for this disease.

Illumina Laboratory Services, Illumina
Classification: Benign for Myhre syndrome. Last evaluated: 2018-01-12. Review status: criteria provided, single submitter. Criteria: ICSL Variant Classification Criteria 13 December 2019. Collection method: clinical testing. Allele origin: germline.
Comment: the same text as in the submission from Illumina Laboratory Services, Illumina above.

Illumina Laboratory Services, Illumina
Classification: Benign for Juvenile polyposis/hereditary hemorrhagic telangiectasia syndrome. Last evaluated: 2018-01-12. Review status: criteria provided, single submitter. Criteria: ICSL Variant Classification Criteria 13 December 2019. Collection method: clinical testing. Allele origin: germline.
Comment: the same text as in the submission from Illumina Laboratory Services, Illumina above.